The following is an entry in ClinVar:

NM_005670.4(EPM2A):c.904G>A (p.Ala302Thr)

Gene: EPM2A (EPM2A glucan phosphatase, laforin; minus strand). Cytogenetic location: 6q24.3.
Variant type: single nucleotide variant.
Coding change: c.904G>A on transcript NM_005670.4 (MANE Select); coding-DNA position 904, G replaced by A.
Protein change: p.Ala302Thr; replaces alanine 302 with threonine.
Molecular consequence: missense variant. On other transcripts: non-coding transcript variant (1).
Genome position (GRCh38, 1-based): chr6:145,627,508, C>T on the plus strand (G>A on the coding strand, the complement: EPM2A is on the minus strand). VCF-style: chr6-145627508-C-T. GRCh37 (hg19) VCF-style: chr6-145948644-C-T.
Other names: c.904G>A, p.Ala302Thr (NM_001018041.2); c.662G>A, p.Gly221Asp (NM_001360057.2); c.490G>A, p.Ala164Thr (NM_001360064.2, NM_001360071.2, NM_001368131.1); c.442G>A, p.Ala148Thr (NM_001368129.2, NM_001368132.1); short protein forms A302T, G221D, A148T, A164T.
Identifiers: ClinVar variation 462935 (VCV000462935.8), dbSNP rs755742563, ClinGen allele CA4035046.
Genomic context (GRCh38, chr6:145,627,508, plus strand): 5'-CAAATTTCTGGAAAAAATCTTCTTGTGCCCGGGCCAAGGCCTCTTCGTCAATGTAGACAG[C>T]CGGCCTCTTGGCCATGAGGAAATACTGCACCTTCCTCAGATTCCAGCCCATCACATACTG-3'
Protein context (NP_005661.1, residues 292-312): VQYFLMAKRP[Ala302Thr]VYIDEEALAR

ClinVar aggregate classification (germline): Uncertain significance (1 of 4 stars; one submission).

Conditions:
Progressive myoclonic epilepsy. Also called: Myoclonus epilepsy; Familial progressive myoclonic epilepsy; Progressive myoclonus epilepsy; Myoclonic Epilepsies, Progressive. Identifiers: Orphanet 308, Orphanet 98261, MedGen C0751778, MONDO:0020074.

Allele frequency attached by ClinVar (database versions not stated): TOPMed below 0.00001; ExAC 0.00003; gnomAD exomes 0.00004.
gnomAD v4.1: 12 of 1,614,266 alleles (0.00074%); highest among the groups gnomAD compares: Admixed American, 0.02%; no homozygotes.

Submission:

Labcorp Genetics (formerly Invitae), Labcorp
Classification: Uncertain significance for Progressive myoclonic epilepsy. Last evaluated: 2025-03-17. Review status: criteria provided, single submitter. Criteria: Invitae Variant Classification Sherloc (09022015). Collection method: clinical testing. Allele origin: germline.
Comment: This sequence change replaces alanine, which is neutral and non-polar, with threonine, which is neutral and polar, at codon 302 of the EPM2A protein (p.Ala302Thr). This variant is present in population databases (rs755742563, gnomAD 0.03%). This variant has not been reported in the literature in individuals affected with EPM2A-related conditions. ClinVar contains an entry for this variant (Variation ID: 462935). Invitae Evidence Modeling of protein sequence and biophysical properties (such as structural, functional, and spatial information, amino acid conservation, physicochemical variation, residue mobility, and thermodynamic stability) has been performed for this missense variant. However, the output from this modeling did not meet the statistical confidence thresholds required to predict the impact of this variant on EPM2A protein function. In summary, the available evidence is currently insufficient to determine the role of this variant in disease. Therefore, it has been classified as a Variant of Uncertain Significance.